The following is an entry in ClinVar:

NM_001365999.1(SZT2):c.1145C>T (p.Ala382Val)

Gene: SZT2 (SZT2 subunit of KICSTOR complex; plus strand). Cytogenetic location: 1p34.2.
Variant type: single nucleotide variant.
Coding change: c.1145C>T on transcript NM_001365999.1 (MANE Select); coding-DNA position 1145, C replaced by T.
Protein change: p.Ala382Val; replaces alanine 382 with valine.
Molecular consequence: missense variant.
Genome position (GRCh38, 1-based): chr1:43,420,207, C>T. VCF-style: chr1-43420207-C-T. GRCh37 (hg19) VCF-style: chr1-43885878-C-T.
Other names: c.1145C>T, p.Ala382Val (NM_015284.4); short protein forms A382V.
Identifiers: ClinVar variation 837492 (VCV000837492.7), dbSNP rs1652179597, ClinGen allele CA340006637.

ClinVar aggregate classification (germline): Uncertain significance (1 of 4 stars; one submission).

Submission:

Labcorp Genetics (formerly Invitae), Labcorp
Classification: Uncertain significance. Last evaluated: 2021-09-01. Review status: criteria provided, single submitter. Criteria: Invitae Variant Classification Sherloc (09022015). Collection method: clinical testing. Allele origin: germline.
Comment: This sequence change replaces alanine with valine at codon 382 of the SZT2 protein (p.Ala382Val). The alanine residue is weakly conserved and there is a small physicochemical difference between alanine and valine. This variant is not present in population databases (ExAC no frequency). This variant has not been reported in the literature in individuals affected with SZT2-related conditions. Algorithms developed to predict the effect of missense changes on protein structure and function are either unavailable or do not agree on the potential impact of this missense change (SIFT: "Tolerated"; PolyPhen-2: "Possibly Damaging"; Align-GVGD: "Class C0"). In summary, the available evidence is currently insufficient to determine the role of this variant in disease. Therefore, it has been classified as a Variant of Uncertain Significance.